The following is an entry in ClinVar:

ClinVar aggregate classification (germline): Uncertain significance (1 of 4 stars; one submission).

Submission:

Labcorp Genetics (formerly Invitae), Labcorp
Classification: Uncertain significance. Last evaluated: 2023-09-20. Review status: criteria provided, single submitter. Criteria: Invitae Variant Classification Sherloc (09022015). Collection method: clinical testing. Allele origin: germline.
Comment: This variant is not present in population databases (gnomAD no frequency). In summary, the available evidence is currently insufficient to determine the role of this variant in disease. Therefore, it has been classified as a Variant of Uncertain Significance. Advanced modeling of protein sequence and biophysical properties (such as structural, functional, and spatial information, amino acid conservation, physicochemical variation, residue mobility, and thermodynamic stability) performed at Invitae indicates that this missense variant is not expected to disrupt MTOR protein function. ClinVar contains an entry for this variant (Variation ID: 1000066). This variant has not been reported in the literature in individuals affected with MTOR-related conditions. This sequence change replaces serine, which is neutral and polar, with glycine, which is neutral and non-polar, at codon 27 of the MTOR protein (p.Ser27Gly).

NM_004958.4(MTOR):c.79A>G (p.Ser27Gly)

Gene: MTOR (mechanistic target of rapamycin kinase; minus strand). Cytogenetic location: 1p36.22.
Variant type: single nucleotide variant.
Coding change: c.79A>G on transcript NM_004958.4 (MANE Select); coding-DNA position 79, A replaced by G.
Protein change: p.Ser27Gly; replaces serine 27 with glycine.
Molecular consequence: missense variant.
Genome position (GRCh38, 1-based): chr1:11,259,331, T>C on the plus strand (A>G on the coding strand, the complement: MTOR is on the minus strand). VCF-style: chr1-11259331-T-C. GRCh37 (hg19) VCF-style: chr1-11319388-T-C.
Other names: short protein forms S27G.
Identifiers: ClinVar variation 1000066 (VCV001000066.9), dbSNP rs763838860, ClinGen allele CA338405341.